The following is an entry in ClinVar:

NM_001386795.1(DTNA):c.1254-3C>T

Gene: DTNA (dystrobrevin alpha; plus strand). Cytogenetic location: 18q12.1.
Variant type: single nucleotide variant.
Coding change: c.1254-3C>T on transcript NM_001386795.1 (MANE Select); 3 bases into the intron before coding-DNA position 1254, C replaced by T.
Molecular consequence: intron variant.
Genome position (GRCh38, 1-based): chr18:34,838,742, C>T. VCF-style: chr18-34838742-C-T. GRCh37 (hg19) VCF-style: chr18-32418706-C-T.
Other names: c.1095-9554C>T (NM_032975.4, NM_001386761.1, NM_001386762.1 and 1 more transcripts); c.1175+9253C>T (NM_001386754.1, NM_001386755.1, NM_001386760.1 and 5 more transcripts); c.1086-9554C>T (NM_001386763.1, NM_001386764.1, NM_001386768.1 and 13 more transcripts); c.604-13089C>T (NM_001198945.2); c.1254-3C>T (NM_001386788.1); c.1164-3C>T (NM_032978.7); c.1173-3C>T (NM_001390.5, NM_001391.5); c.336-9554C>T (NM_001198943.1); and 4 more.
Identifiers: ClinVar variation 4705640 (VCV004705640.1).

ClinVar aggregate classification (germline): Uncertain significance (1 of 4 stars; one submission).

Conditions:
Left ventricular noncompaction 1 (LVNC1). Also called: LEFT VENTRICULAR NONCOMPACTION 1 WITH OR WITHOUT CONGENITAL HEART DEFECTS. Identifiers: Orphanet 54260, MedGen C1858725, MONDO:0011403, OMIM 604169.

Submission:

Labcorp Genetics (formerly Invitae), Labcorp
Classification: Uncertain significance for Left ventricular noncompaction 1. Last evaluated: 2025-03-12. Review status: criteria provided, single submitter. Criteria: Invitae Variant Classification Sherloc (09022015). Collection method: clinical testing. Allele origin: germline.
Comment: This sequence change falls in intron 11 of the DTNA gene. It does not directly change the encoded amino acid sequence of the DTNA protein. It affects a nucleotide within the consensus splice site. This variant is not present in population databases (gnomAD no frequency). This variant has not been reported in the literature in individuals affected with DTNA-related conditions. Variants that disrupt the consensus splice site are a relatively common cause of aberrant splicing (PMID: 17576681, 9536098). Algorithms developed to predict the effect of sequence changes on RNA splicing suggest that this variant is not likely to affect RNA splicing. In summary, the available evidence is currently insufficient to determine the role of this variant in disease. Therefore, it has been classified as a Variant of Uncertain Significance.

Literature cited by the submitters: PubMed 17576681; PubMed 9536098.